The following is an entry in ClinVar:

NC_000016.9:g.(?_53720335)_(53721887_?)dup

Gene: RPGRIP1L (RPGRIP1 like; minus strand). Cytogenetic location: 16q12.2.
Variant type: Duplication.
Identifiers: ClinVar variation 1066453 (VCV001066453.7).

ClinVar aggregate classification (germline): Likely pathogenic (1 of 4 stars; one submission).

Conditions:
Joubert syndrome. Also called: Familial aplasia of the vermis; CEREBELLOPARENCHYMAL DISORDER IV; JOUBERT-BOLTSHAUSER SYNDROME. Identifiers: Orphanet 475, MedGen C5979921, MONDO:0018772.
Meckel-Gruber syndrome. Also called: Dysencephalia splachnocystica; DYSENCEPHALIA SPLANCHNOCYSTICA; GRUBER SYNDROME. Identifiers: Orphanet 564, MedGen C0265215, MONDO:0018921.

Submission:

Labcorp Genetics (formerly Invitae), Labcorp
Classification: Likely pathogenic for Joubert syndrome; Meckel-Gruber syndrome. Last evaluated: 2021-11-12. Review status: criteria provided, single submitter. Criteria: Invitae Variant Classification Sherloc (09022015). Collection method: clinical testing. Allele origin: germline.
Comment: In summary, the currently available evidence indicates that the variant is pathogenic, but additional data are needed to prove that conclusively. Therefore, this variant has been classified as Likely Pathogenic. This variant has not been reported in the literature in individuals affected with RPGRIP1L-related conditions. This variant results in a copy number gain of the genomic region encompassing exon(s) 5-6 of the RPGRIP1L gene. While the exact position of this variant cannot be determined from the data, sub-genic copy number gains are generally in tandem (PMID: 25640679). This variant is predicted to be out-of-frame, and may result in an absent or disrupted protein product. Loss-of-function variants in RPGRIP1L are known to be pathogenic (PMID: 17558409).

Literature cited by the submitters: PubMed 25640679; PubMed 17558409.